The following is an entry in ClinVar:

ClinVar aggregate classification (germline): Uncertain significance (1 of 4 stars; one submission).

Conditions:
Cardiovascular phenotype. Identifiers: MedGen CN230736.

Submission:

Ambry Genetics
Classification: Uncertain significance for Cardiovascular phenotype. Last evaluated: 2023-10-02. Review status: criteria provided, single submitter. Criteria: Ambry Variant Classification Scheme 2023. Collection method: clinical testing. Allele origin: germline.
Comment: The p.E308Q variant (also known as c.922G>C), located in coding exon 7 of the PRKAG2 gene, results from a G to C substitution at nucleotide position 922. The glutamic acid at codon 308 is replaced by glutamine, an amino acid with highly similar properties. This amino acid position is conserved. In addition, the in silico prediction for this alteration is inconclusive. Since supporting evidence is limited at this time, the clinical significance of this alteration remains unclear.

NM_016203.4(PRKAG2):c.922G>C (p.Glu308Gln)

Gene: PRKAG2 (protein kinase AMP-activated non-catalytic subunit gamma 2; minus strand). Cytogenetic location: 7q36.1.
Variant type: single nucleotide variant.
Coding change: c.922G>C on transcript NM_016203.4 (MANE Select); coding-DNA position 922, G replaced by C.
Protein change: p.Glu308Gln; replaces glutamic acid 308 with glutamine.
Molecular consequence: missense variant.
Genome position (GRCh38, 1-based): chr7:151,576,395, C>G on the plus strand (G>C on the coding strand, the complement: PRKAG2 is on the minus strand). VCF-style: chr7-151576395-C-G. GRCh37 (hg19) VCF-style: chr7-151273481-C-G.
Other names: c.790G>C, p.Glu264Gln (NM_001040633.2, NM_001407024.1); c.547G>C, p.Glu183Gln (NM_001304527.2, NM_001407029.1); c.199G>C, p.Glu67Gln (NM_001304531.2, NM_001407034.1, NM_001407035.1 and 1 more transcripts); c.550G>C, p.Glu184Gln (NM_001363698.2, NM_001407028.1); c.922G>C, p.Glu308Gln (NM_001407021.1); c.919G>C, p.Glu307Gln (NM_001407022.1, NM_001407023.1); c.787G>C, p.Glu263Gln (NM_001407026.1, NM_001407027.1); c.634G>C, p.Glu212Gln (NM_001407030.1); and 6 more; short protein forms E183Q, E184Q, E200Q, E202Q, E211Q, E212Q, E263Q, E264Q.
Identifiers: ClinVar variation 3226903 (VCV003226903.1), dbSNP rs2536413060, ClinGen allele CA370072417.